The following is an entry in ClinVar:

ClinVar aggregate classification (germline): Pathogenic/Likely pathogenic. Review status: criteria provided, multiple submitters, no conflicts (2 of 4 stars). 8 submissions from 8 submitters: Pathogenic (6); Likely pathogenic (1). 1 of the submissions does not count toward it. Last evaluated 2025-12-31.

Conditions:
Hereditary cancer-predisposing syndrome. Also called: Hereditary neoplastic syndrome; Neoplastic Syndromes, Hereditary; Tumor predisposition; Hereditary Cancer Syndrome. Identifiers: Orphanet 140162, MedGen C0027672, MeSH D009386, MONDO:0015356.
Bloom syndrome (BLM). Also called: Bloom-Torre-Machacek syndrome. Identifiers: Orphanet 125, MedGen C0005859, MONDO:0008876, OMIM 210900.

Submissions (8):

Myriad Genetics, Inc.
Classification: Pathogenic for Bloom syndrome. Last evaluated: 2025-12-31. Review status: criteria provided, single submitter. Criteria: Myriad Autosomal Dominant, Autosomal Recessive and X-Linked Classification Criteria (2023). Collection method: clinical testing. Allele origin: unknown.
Comment: This variant is considered pathogenic. This variant creates a frameshift predicted to result in premature protein truncation.

Labcorp Genetics (formerly Invitae), Labcorp
Classification: Pathogenic for Bloom syndrome. Last evaluated: 2025-12-18. Review status: criteria provided, single submitter. Criteria: Invitae Variant Classification Sherloc (09022015). Collection method: clinical testing. Allele origin: germline.
Comment: This sequence change creates a premature translational stop signal (p.Thr494Profs*9) in the BLM gene. It is expected to result in an absent or disrupted protein product. Loss-of-function variants in BLM are known to be pathogenic (PMID: 17407155). This variant is present in population databases (rs746244182, gnomAD 0.002%). This variant has not been reported in the literature in individuals affected with BLM-related conditions. ClinVar contains an entry for this variant (Variation ID: 371108). For these reasons, this variant has been classified as Pathogenic.

Natera, Inc.
Classification: Likely pathogenic for Bloom syndrome. Last evaluated: 2025-06-22. Review status: criteria provided, single submitter. Criteria: Natera Variant Classification Schema (03/2026). Collection method: clinical testing. Allele origin: germline.
Comment: The c.1479_1480delTA variant in BLM is a frameshift variant predicted to shift the reading frame beginning at codon 494 and leads to a stop codon 9 codons downstream. This variant is expected to result in nonsense mediated decay, truncation, or a dysfunctional protein product. This variant is rare in the general population with a frequency below the threshold expected for the associated phenotype(s). Given the available evidence, this variant is classified as Likely Pathogenic.

St. Jude Molecular Pathology, St. Jude Children's Research Hospital
Classification: Pathogenic for Bloom syndrome. Last evaluated: 2024-11-05. Review status: criteria provided, single submitter. Criteria: St. Jude Assertion Criteria 2020. Collection method: clinical testing. Allele origin: germline.
Comment: The BLM c.1479_1480del (p.Thr494ProfsTer9) change deletes two nucleotides to cause a frameshift and the creation of a premature stop codon. This change is predicted to cause protein truncation or absence of protein due to nonsense-mediated decay. To our knowledge, this variant has not been reported in individuals with Bloom syndrome. This variant has a maximum subpopulation frequency of 0.002% in gnomAD v2.1.1. In summary, this variant meets criteria to be classified as pathogenic.

Baylor Genetics
Classification: Pathogenic for Bloom syndrome. Last evaluated: 2023-08-04. Review status: criteria provided, single submitter. Criteria: ACMG Guidelines, 2015. Collection method: clinical testing. Allele origin: unknown.

Ambry Genetics
Classification: Pathogenic for Hereditary cancer-predisposing syndrome. Last evaluated: 2022-12-07. Review status: criteria provided, single submitter. Criteria: Ambry Variant Classification Scheme 2023. Collection method: clinical testing. Allele origin: germline.
Comment: The c.1479_1480delTA pathogenic mutation, located in coding exon 6 of the BLM gene, results from a deletion of two nucleotides at nucleotide positions 1479 to 1480, causing a translational frameshift with a predicted alternate stop codon (p.T494Pfs*9). This alteration is expected to result in loss of function by premature protein truncation or nonsense-mediated mRNA decay. As such, this alteration is interpreted as a disease-causing mutation.

Dasa
Classification: Pathogenic for Bloom syndrome. Last evaluated: 2022-03-05. Review status: criteria provided, single submitter. Criteria: ACMG Guidelines, 2015. Collection method: clinical testing. Allele origin: germline. Affected: yes. Observed: 1 variant allele.
Comment: The c.1479_1480del;p.(Thr494Profs*9) is a null frameshift variant (NMD) in the BLM gene and predicts alteration of the nonsense-mediate decay - NMD is present in a relevant exon to the transcript - PVS1. This sequence change has been observed in affected individual(s) and ClinVar contains an entry for this variant (ClinVar ID: 371108). PS4_moderate. The variant is present at low allele frequencies population databases (rs746244182 – gnomAD 0.00007991%; ABraOM no frequency.) - PM2_supporting. In summary, the currently available evidence indicates that the variant is pathogenic.

Counsyl
Classification: Likely pathogenic for Bloom syndrome. Last evaluated: 2016-06-28. Review status: no assertion criteria provided. Collection method: clinical testing. Allele origin: unknown. Not counted in ClinVar's aggregate classification.

Literature cited by the submitters: PubMed 17407155 (cited by Labcorp Genetics (formerly Invitae), Labcorp).

NM_000057.4(BLM):c.1479_1480del (p.Thr494fs)

Gene: BLM (BLM RecQ like helicase; plus strand). Cytogenetic location: 15q26.1.
Variant type: Deletion.
Coding change: c.1479_1480del on transcript NM_000057.4 (MANE Select); coding-DNA positions 1479 to 1480, 2 bases deleted (TA; older notation c.1479_1480delTA).
Protein change: p.Thr494fs; shifts the reading frame from threonine 494.
Molecular consequence: frameshift variant.
Genome position (GRCh38, 1-based): chr15:90,760,852-90,760,853, TA deleted; deleting any 2 consecutive bases within chr15:90,760,851-90,760,853 gives the same sequence; the c. name uses the placement nearest the transcript's 3' end. VCF-style (leftmost placement, unchanged base first): chr15-90760850-AAT-A. GRCh37 (hg19) VCF-style: chr15-91304080-AAT-A.
Other names: c.1479_1480delTA (NM_000057.4); c.1479_1480del (LRG_20t1, NM_000057.3); c.1479_1480del, p.Thr494fs (NM_001287246.2, NM_001287247.2); c.354_355del, p.Thr119fs (NM_001287248.2); short protein forms T119fs, T494fs.
Identifiers: ClinVar variation 371108 (VCV000371108.25), dbSNP rs746244182, ClinGen allele CA7738541.